The following is an entry in ClinVar:

NM_000429.3(MAT1A):c.868G>A (p.Val290Ile)

Gene: MAT1A (methionine adenosyltransferase 1A; minus strand). Cytogenetic location: 10q22.3.
Variant type: single nucleotide variant.
Coding change: c.868G>A on transcript NM_000429.3 (MANE Select); coding-DNA position 868, G replaced by A.
Protein change: p.Val290Ile; replaces valine 290 with isoleucine.
Molecular consequence: missense variant.
Genome position (GRCh38, 1-based): chr10:80,275,100, C>T on the plus strand (G>A on the coding strand, the complement: MAT1A is on the minus strand). VCF-style: chr10-80275100-C-T. GRCh37 (hg19) VCF-style: chr10-82034856-C-T.
Other names: short protein forms V290I.
Identifiers: ClinVar variation 1985561 (VCV001985561.4), dbSNP rs748896492, ClinGen allele CA5576687.

ClinVar aggregate classification (germline): Uncertain significance (1 of 4 stars; one submission).

Conditions:
Hepatic methionine adenosyltransferase deficiency. Also called: Isolated Persistent Hypermethioninemia; Methionine adenosyltransferase deficiency; MAT I/III DEFICIENCY; Deficiency of methionine adenosyltransferase. Identifiers: Orphanet 168598, MedGen C0268621, MeSH C564683, MONDO:0009607, OMIM 250850.

Allele frequency attached by ClinVar (database versions not stated): gnomAD exomes below 0.00001; gnomAD 0.00001; TOPMed 0.00001; ExAC 0.00002.

Submission:

Labcorp Genetics (formerly Invitae), Labcorp
Classification: Uncertain significance for Hepatic methionine adenosyltransferase deficiency. Last evaluated: 2025-11-05. Review status: criteria provided, single submitter. Criteria: Invitae Variant Classification Sherloc (09022015). Collection method: clinical testing. Allele origin: germline.
Comment: This sequence change replaces valine, which is neutral and non-polar, with isoleucine, which is neutral and non-polar, at codon 290 of the MAT1A protein (p.Val290Ile). This variant is present in population databases (rs748896492, gnomAD 0.006%). This variant has not been reported in the literature in individuals affected with MAT1A-related conditions. ClinVar contains an entry for this variant (Variation ID: 1985561). Invitae Evidence Modeling of protein sequence and biophysical properties (such as structural, functional, and spatial information, amino acid conservation, physicochemical variation, residue mobility, and thermodynamic stability) indicates that this missense variant is not expected to disrupt MAT1A protein function with a negative predictive value of 80%. In summary, the available evidence is currently insufficient to determine the role of this variant in disease. Therefore, it has been classified as a Variant of Uncertain Significance.